The following is an entry in ClinVar:

ClinVar aggregate classification (germline): Uncertain significance (1 of 4 stars; one submission).

Allele frequency attached by ClinVar (database versions not stated): ExAC 0.00001; gnomAD exomes 0.00002 and 0.00004; TOPMed 0.00003; gnomAD 0.00005.
gnomAD v4.1: 61 of 1,585,504 alleles (0.0038%); highest among the groups gnomAD compares: Non-Finnish European, 0.0048%; no homozygotes.

Submission:

Labcorp Genetics (formerly Invitae), Labcorp
Classification: Uncertain significance. Last evaluated: 2026-01-05. Review status: criteria provided, single submitter. Criteria: Invitae Variant Classification Sherloc (09022015). Collection method: clinical testing. Allele origin: germline.
Comment: This sequence change replaces arginine, which is basic and polar, with tryptophan, which is neutral and slightly polar, at codon 167 of the ITGAM protein (p.Arg167Trp). This variant is present in population databases (rs746748315, gnomAD 0.004%). This variant has not been reported in the literature in individuals affected with ITGAM-related conditions. ClinVar contains an entry for this variant (Variation ID: 1465772). An algorithm developed to predict the effect of missense changes on protein structure and function (PolyPhen-2) suggests that this variant is likely to be disruptive. In summary, the available evidence is currently insufficient to determine the role of this variant in disease. Therefore, it has been classified as a Variant of Uncertain Significance.

NM_000632.4(ITGAM):c.499C>T (p.Arg167Trp)

Gene: ITGAM (integrin subunit alpha M; plus strand). Cytogenetic location: 16p11.2.
Variant type: single nucleotide variant.
Coding change: c.499C>T on transcript NM_000632.4 (MANE Select); coding-DNA position 499, C replaced by T.
Protein change: p.Arg167Trp; replaces arginine 167 with tryptophan.
Molecular consequence: missense variant.
Genome position (GRCh38, 1-based): chr16:31,271,025, C>T. VCF-style: chr16-31271025-C-T. GRCh37 (hg19) VCF-style: chr16-31282346-C-T.
Other names: c.499C>T, p.Arg167Trp (NM_001145808.2); short protein forms R167W.
Identifiers: ClinVar variation 1465772 (VCV001465772.8), dbSNP rs746748315, ClinGen allele CA8025244.
Genomic context (GRCh38, chr16:31,271,025, plus strand): 5'-GAGGATAGTGACATTGCCTTCTTGATTGATGGCTCTGGTAGCATCATCCCACATGACTTT[C>T]GGCGGATGAAGGAGTTTGTCTCAACTGTGATGGAGCAATTAAAAAAGTCCAAAACCTTGG-3'
Protein context (NP_000623.2, residues 157-177): GSGSIIPHDF[Arg167Trp]RMKEFVSTVM